The following is an entry in ClinVar:

ClinVar aggregate classification (germline): Uncertain significance (1 of 4 stars; one submission).

Allele frequency attached by ClinVar (database versions not stated): gnomAD exomes below 0.00001.

Submission:

Labcorp Genetics (formerly Invitae), Labcorp
Classification: Uncertain significance. Last evaluated: 2023-07-25. Review status: criteria provided, single submitter. Criteria: Invitae Variant Classification Sherloc (09022015). Collection method: clinical testing. Allele origin: germline.
Comment: In summary, the available evidence is currently insufficient to determine the role of this variant in disease. Therefore, it has been classified as a Variant of Uncertain Significance. Advanced modeling of protein sequence and biophysical properties (such as structural, functional, and spatial information, amino acid conservation, physicochemical variation, residue mobility, and thermodynamic stability) performed at Invitae indicates that this missense variant is not expected to disrupt KIF11 protein function. This variant has not been reported in the literature in individuals affected with KIF11-related conditions. This variant is not present in population databases (gnomAD no frequency). This sequence change replaces glutamine, which is neutral and polar, with leucine, which is neutral and non-polar, at codon 531 of the KIF11 protein (p.Gln531Leu).

NM_004523.4(KIF11):c.1592A>T (p.Gln531Leu)

Gene: KIF11 (kinesin family member 11; plus strand). Cytogenetic location: 10q23.33.
Variant type: single nucleotide variant.
Coding change: c.1592A>T on transcript NM_004523.4 (MANE Select); coding-DNA position 1592, A replaced by T.
Protein change: p.Gln531Leu; replaces glutamine 531 with leucine.
Molecular consequence: missense variant.
Genome position (GRCh38, 1-based): chr10:92,632,583, A>T. VCF-style: chr10-92632583-A-T. GRCh37 (hg19) VCF-style: chr10-94392340-A-T.
Other names: short protein forms Q531L.
Identifiers: ClinVar variation 2989952 (VCV002989952.3), dbSNP rs2492519214, ClinGen allele CA377592251.
Genomic context (GRCh38, chr10:92,632,583, plus strand): 5'-CTGGTCTCCATTCCAAACTGGATCGTAAGAAGGCAGTTGACCAACACAATGCAGAAGCTC[A>T]GGATATTTTTGGCAAAAACCTGAATAGTCTGTTTAATAATATGGAAGAATTAATTAAGGA-3'
Protein context (NP_004514.2, residues 521-541): KAVDQHNAEA[Gln531Leu]DIFGKNLNSL